The following is an entry in ClinVar:

NM_012179.4(FBXO7):c.377del (p.Gly126fs)

Gene: FBXO7 (F-box protein 7; plus strand). Cytogenetic location: 22q12.3.
Variant type: Deletion.
Coding change: c.377del on transcript NM_012179.4 (MANE Select); coding-DNA position 377, one base deleted (G; older notation c.377delG).
Protein change: p.Gly126fs; shifts the reading frame from glycine 126.
Molecular consequence: frameshift variant.
Genome position (GRCh38, 1-based): chr22:32,479,235, G deleted; the last of 2 consecutive G bases (chr22:32,479,234-32,479,235); deleting either gives the same sequence. VCF-style (leftmost placement, unchanged base first): chr22-32479233-AG-A. GRCh37 (hg19) VCF-style: chr22-32875220-AG-A.
Other names: c.140del, p.Gly47fs (NM_001033024.2); c.35del, p.Gly12fs (NM_001257990.2); short protein forms G12fs, G47fs, G126fs.
Identifiers: ClinVar variation 2884317 (VCV002884317.3), dbSNP rs2057448454, ClinGen allele CA2401987252.

ClinVar aggregate classification (germline): Pathogenic (1 of 4 stars; one submission).

Conditions:
Parkinsonian-pyramidal syndrome. Also called: PALLIDOPYRAMIDAL SYNDROME; PARKINSON DISEASE 15, AUTOSOMAL RECESSIVE; PARKINSON DISEASE 15, AUTOSOMAL RECESSIVE EARLY-ONSET. Identifiers: Orphanet 171695, MedGen C1850100, MONDO:0009830, OMIM 260300.

Submission:

Labcorp Genetics (formerly Invitae), Labcorp
Classification: Pathogenic for Parkinsonian-pyramidal syndrome. Last evaluated: 2023-01-05. Review status: criteria provided, single submitter. Criteria: Invitae Variant Classification Sherloc (09022015). Collection method: clinical testing. Allele origin: germline.
Comment: For these reasons, this variant has been classified as Pathogenic. This variant has not been reported in the literature in individuals affected with FBXO7-related conditions. This variant is not present in population databases (gnomAD no frequency). This sequence change creates a premature translational stop signal (p.Gly126Aspfs*15) in the FBXO7 gene. It is expected to result in an absent or disrupted protein product. Loss-of-function variants in FBXO7 are known to be pathogenic (PMID: 21347293).

Literature cited by the submitters: PubMed 21347293.